The following is an entry in ClinVar:

NM_001999.4(FBN2):c.6610C>G (p.Leu2204Val)

Gene: FBN2 (fibrillin 2; minus strand). Cytogenetic location: 5q23.3.
Variant type: single nucleotide variant.
Coding change: c.6610C>G on transcript NM_001999.4 (MANE Select); coding-DNA position 6610, C replaced by G.
Protein change: p.Leu2204Val; replaces leucine 2204 with valine.
Molecular consequence: missense variant.
Genome position (GRCh38, 1-based): chr5:128,289,154, G>C on the plus strand (C>G on the coding strand, the complement: FBN2 is on the minus strand). VCF-style: chr5-128289154-G-C. GRCh37 (hg19) VCF-style: chr5-127624846-G-C.
Other names: short protein forms L2204V.
Identifiers: ClinVar variation 1006171 (VCV001006171.11), dbSNP rs201541140, ClinGen allele CA3394363.

ClinVar aggregate classification (germline): Conflicting classifications of pathogenicity. Review status: criteria provided, conflicting classifications (1 of 4 stars). 3 submissions from 3 submitters: Uncertain significance (1); Likely benign (2). Last evaluated 2026-09-01.

Conditions:
Congenital contractural arachnodactyly (CCA). Also called: Beals-Hecht syndrome; Arthrogryposis, distal, type 9; BEALS SYNDROME. Identifiers: Orphanet 115, MedGen C0220668, MONDO:0007363, OMIM 121050.

Allele frequency attached by ClinVar (database versions not stated): gnomAD exomes below 0.00001 and 0.00001; ExAC 0.00001; TOPMed 0.00001; 1000 Genomes Project 30x 0.00016; 1000 Genomes Project 0.00020.
gnomAD v4.1: 7 of 1,613,944 alleles (0.00043%); highest among the groups gnomAD compares: Admixed American, 0.0083%; no homozygotes.

Submissions (3):

CeGaT Center for Human Genetics Tuebingen
Classification: Likely benign. Last evaluated: 2026-09-01. Review status: criteria provided, single submitter. Criteria: CeGaT Center For Human Genetics Tuebingen Variant Classification Criteria Version 2. Collection method: clinical testing. Allele origin: germline. Affected: yes. Observed: 1 variant allele.
Comment: FBN2: BS2

Labcorp Genetics (formerly Invitae), Labcorp
Classification: Likely benign for Congenital contractural arachnodactyly. Last evaluated: 2024-12-24. Review status: criteria provided, single submitter. Criteria: Invitae Variant Classification Sherloc (09022015). Collection method: clinical testing. Allele origin: germline.

Blueprint Genetics
Classification: Uncertain significance. Last evaluated: 2023-09-20. Review status: criteria provided, single submitter. Criteria: ACMG Guidelines, 2015. Collection method: clinical testing. Allele origin: germline.